The following is an entry in ClinVar:

NM_012281.3(KCND2):c.1116-28AT[7]

Gene: KCND2 (potassium voltage-gated channel subfamily D member 2; plus strand). Cytogenetic location: 7q31.31.
Variant type: Microsatellite.
Coding change: c.1116-28AT[7] on transcript NM_012281.3 (MANE Select); seven copies in a row of the 2-base unit AT starting at c.1116-28; the reference has six copies in a row; one copy, 2 bases duplicated.
Molecular consequence: intron variant.
Genome position (GRCh38, 1-based): chr7:120,732,885-120,732,886, AT duplicated; duplicating any 2 consecutive bases within chr7:120,732,875-120,732,886 gives the same sequence; the position shown is the placement nearest the transcript's 3' end. VCF-style (leftmost placement, unchanged base first): chr7-120732874-A-AAT. GRCh37 (hg19) VCF-style: chr7-120372928-A-AAT.
Other names: c.1116-18_1116-17dupAT (NM_012281.3).
Identifiers: ClinVar variation 3375095 (VCV003375095.1).
Genomic context (GRCh38, chr7:120,732,874, plus strand): 5'-TTTGACTTAAAGGAAAAAATTCTTAGTTTCAGGTAGAAATGTCTTTCTGTGACTTAAAAC[A>AAT]ATATATATATATTTTTTCTTTAACTCAGGTATGGTGACATGGTGCCAAAAACCATAGCAG-3'

ClinVar aggregate classification (germline): Benign (1 of 4 stars; one submission).

Submission:

Women's Health and Genetics/Laboratory Corporation of America, LabCorp
Classification: Benign. Last evaluated: 2024-09-04. Review status: criteria provided, single submitter. Criteria: LabCorp Variant Classification Summary - May 2015. Collection method: clinical testing. Allele origin: germline.
Comment: Variant summary: KCND2 c.1116-18_1116-17dupAT alters a conserved nucleotide located at a position not widely known to affect splicing. Consensus agreement among computation tools predict no significant impact on normal splicing. However, these predictions have yet to be confirmed by functional studies. The variant allele was found at a frequency of 0.0021 in 243502 control chromosomes in the gnomAD database, including 2 homozygotes. The observed variant frequency is approximately 334.45 fold of the estimated maximal expected allele frequency for a pathogenic variant in KCND2 causing Arrhythmia phenotype (6.3e-06). To our knowledge, no occurrence of c.1116-18_1116-17dupAT in individuals affected with Arrhythmia and no experimental evidence demonstrating its impact on protein function have been reported. No submitters have cited clinical-significance assessments for this variant to ClinVar. Based on the evidence outlined above, the variant was classified as benign.